The following is an entry in ClinVar:

NM_005359.6(SMAD4):c.787+1G>A

Gene: SMAD4 (SMAD family member 4; plus strand). Cytogenetic location: 18q21.2.
Variant type: single nucleotide variant.
Coding change: c.787+1G>A on transcript NM_005359.6 (MANE Select); the canonical splice donor site of the intron after coding-DNA position 787, G replaced by A.
Molecular consequence: splice donor variant.
Genome position (GRCh38, 1-based): chr18:51,058,245, G>A. VCF-style: chr18-51058245-G-A. GRCh37 (hg19) VCF-style: chr18-48584615-G-A.
Other names: c.787+1G>A (NM_001407042.1, NM_001407041.1, NM_001407043.1).
Identifiers: ClinVar variation 629125 (VCV000629125.12), dbSNP rs1568206107, ClinGen allele CA402463212.
Genomic context (GRCh38, chr18:51,058,245, plus strand): 5'-GGCCTCAGCCAGGACAGCAGCAGAATGGATTTACTGGTCAGCCAGCTACTTACCATCATA[G>A]TATGTACATACTTTAAAAAATCTTTTAAATAGTTGAGAAAAAAGTAGGCAGCCTTTATAA-3'

ClinVar aggregate classification (germline): Conflicting classifications of pathogenicity. Review status: criteria provided, conflicting classifications (1 of 4 stars). 3 submissions from 3 submitters: Likely pathogenic (1); Uncertain significance (2). Last evaluated 2023-10-31.

Conditions:
Juvenile polyposis syndrome (JPS). Identifiers: Orphanet 2929, MedGen C0345893, MONDO:0017380, OMIM 174900.
Familial thoracic aortic aneurysm and aortic dissection (TAAD). Also called: Thoracic aortic aneurysms and dissections. Identifiers: Orphanet 91387, MedGen C4707243, MONDO:0019625.
Hereditary cancer-predisposing syndrome. Also called: Tumor predisposition; Neoplastic Syndromes, Hereditary; Hereditary Cancer Syndrome; Hereditary neoplastic syndrome. Identifiers: Orphanet 140162, MedGen C0027672, MeSH D009386, MONDO:0015356.

Allele frequency attached by ClinVar (database versions not stated): TOPMed below 0.00001.

Submissions (3):

Color Diagnostics, LLC DBA Color Health
Classification: Uncertain significance for Hereditary cancer-predisposing syndrome. Last evaluated: 2023-10-31. Review status: criteria provided, single submitter. Criteria: ACMG Guidelines, 2015. Collection method: clinical testing. Allele origin: germline.
Comment: This variant causes a G>A nucleotide substitution at the +1 position of intron 6 of the SMAD4 gene. Splice site prediction tools suggest that this variant may have a significant impact on RNA splicing. Although this prediction has not been confirmed in published RNA studies, this variant is expected to result in a disrupted protein product via in-frame deletion. However, the functional impact of this is unclear. This variant has not been reported in individuals affected with SMAD4-related disorders in the literature. This variant has not been identified in the general population by the Genome Aggregation Database (gnomAD). A different variant affecting the same splice donor site, c.787+2T>C, is known to cause in-frame exon skipping and classified to be disease-causing (ClinVar variation ID: 851605). Loss of SMAD4 function is a known mechanism of disease. Although there is a suspicion that this variant may be associated with disease, additional functional and clinical studies are necessary to determine the role of this variant in disease conclusively. Therefore, this variant is classified as a Variant of Uncertain Significance.

Labcorp Genetics (formerly Invitae), Labcorp
Classification: Likely pathogenic for Juvenile polyposis syndrome. Last evaluated: 2023-09-20. Review status: criteria provided, single submitter. Criteria: Invitae Variant Classification Sherloc (09022015). Collection method: clinical testing. Allele origin: germline.
Comment: This sequence change affects a donor splice site in intron 6 of the SMAD4 gene. RNA analysis indicates that disruption of this splice site induces altered splicing and likely results in a shortened protein product. This variant is not present in population databases (gnomAD no frequency). This variant has not been reported in the literature in individuals affected with SMAD4-related conditions. ClinVar contains an entry for this variant (Variation ID: 629125). Studies have shown that disruption of this splice site results in skipping of 6, but is expected to preserve the integrity of the reading-frame (Invitae). In summary, the currently available evidence indicates that the variant is pathogenic, but additional data are needed to prove that conclusively. Therefore, this variant has been classified as Likely Pathogenic.

Ambry Genetics
Classification: Uncertain significance for Hereditary cancer-predisposing syndrome; Familial thoracic aortic aneurysm and aortic dissection. Last evaluated: 2022-08-25. Review status: criteria provided, single submitter. Criteria: Ambry Variant Classification Scheme 2023. Collection method: clinical testing. Allele origin: germline.
Comment: The c.787+1G>A intronic variant results from a G to A substitution one nucleotide after coding exon 5 of the SMAD4 gene. Alterations that disrupt the canonical splice site are expected to result in aberrant splicing. In silico splice site analysis predicts that this alteration will weaken the native splice donor site and may result in the creation or strengthening of a novel splice donor site; however, direct evidence is insufficient at this time (Ambry internal data). The resulting transcript is predicted to be in-frame and is not expected to trigger nonsense-mediated mRNA decay; however, direct evidence is unavailable. The exact functional effect of the altered amino acid sequence is unknown. This nucleotide position is highly conserved in available vertebrate species. Since supporting evidence is limited at this time, the clinical significance of this alteration remains unclear.